The following is an entry in ClinVar:

ClinVar aggregate classification (germline): Uncertain significance (1 of 4 stars; one submission).

gnomAD v4.1: 234 of 1,607,498 alleles (0.015%); highest among the groups gnomAD compares: Non-Finnish European, 0.019%; no homozygotes.

Submission:

Mayo Clinic Laboratories, Mayo Clinic
Classification: Uncertain significance. Last evaluated: 2023-12-06. Review status: criteria provided, single submitter. Criteria: ACMG Guidelines, 2015. Collection method: clinical testing. Allele origin: germline. Observed: 1 variant allele.
Comment: BP4, PM2_moderate

NM_021222.3(PRUNE1):c.77C>G (p.Ala26Gly)

Gene: PRUNE1 (prune exopolyphosphatase 1; plus strand). Cytogenetic location: 1q21.3.
Variant type: single nucleotide variant.
Coding change: c.77C>G on transcript NM_021222.3 (MANE Select); coding-DNA position 77, C replaced by G.
Protein change: p.Ala26Gly; replaces alanine 26 with glycine.
Molecular consequence: missense variant. On other transcripts: 5 prime UTR variant (2), non-coding transcript variant (3).
Genome position (GRCh38, 1-based): chr1:151,017,849, C>G. VCF-style: chr1-151017849-C-G. GRCh37 (hg19) VCF-style: chr1-150990325-C-G.
Other names: p.Ala26Gly; c.-267C>G (NM_001303229.2); c.77C>G, p.Ala26Gly (NM_001303242.2); c.-183C>G (NM_001303243.2); short protein forms A26G.
Identifiers: ClinVar variation 3379892 (VCV003379892.1).
Genomic context (GRCh38, chr1:151,017,849, plus strand): 5'-TTCCCATTTTCCTTTCTCTCCAGGAGTCCCGACCTCTACATGTTGTGCTGGGAAATGAAG[C>G]CTGTGATTTGGACTCCACAGTGTCTGCTCTTGCCCTGGCTTTTTACCTAGCAAAGGTGGG-3'
Protein context (NP_067045.1, residues 16-36): RPLHVVLGNE[Ala26Gly]CDLDSTVSAL